The following is an entry in ClinVar:

NM_138694.4(PKHD1):c.3766del (p.Gln1256fs)

Gene: PKHD1 (PKHD1 ciliary IPT domain containing fibrocystin/polyductin; minus strand). Cytogenetic location: 6p12.2.
Variant type: Deletion.
Coding change: c.3766del on transcript NM_138694.4 (MANE Select); coding-DNA position 3766, one base deleted (C; older notation c.3766delC).
Protein change: p.Gln1256fs; shifts the reading frame from glutamine 1256.
Molecular consequence: frameshift variant.
Genome position (GRCh38, 1-based): chr6:52,026,044, G deleted on the plus strand (C on the coding strand, the reverse complement: PKHD1 is on the minus strand); the first of 6 consecutive G bases (chr6:52,026,044-52,026,049); deleting any one gives the same sequence. VCF-style (leftmost placement, unchanged base first): chr6-52026043-TG-T. GRCh37 (hg19) VCF-style: chr6-51890841-TG-T.
Other names: c.3766del, p.Gln1256fs (NM_170724.3); c.3766delC (NM_138694.4); c.3766del (NM_138694.3); short protein forms Q1256fs.
Identifiers: ClinVar variation 188746 (VCV000188746.32), dbSNP rs746972457, ClinGen allele CA273904.

ClinVar aggregate classification (germline): Conflicting classifications of pathogenicity. Review status: criteria provided, conflicting classifications (1 of 4 stars). 17 submissions from 17 submitters: Pathogenic (11); Likely pathogenic (3); Likely benign (1). 2 of the submissions do not count toward it. Last evaluated 2026-08-19.

Conditions:
Cystic renal disease.
PKHD1-related disorder. Also called: PKHD1-related condition.
Polycystic kidney disease 4 (PKD4). Also called: Autosomal Recessive Polycystic Kidney Disease – PKHD1; POLYCYSTIC KIDNEY DISEASE 4 WITH OR WITHOUT POLYCYSTIC LIVER DISEASE; PKD3; POLYCYSTIC KIDNEY AND HEPATIC DISEASE 1; POLYCYSTIC KIDNEY DISEASE, INFANTILE, TYPE I. Identifiers: MedGen C4540575, MONDO:0033004, OMIM 263200.
Autosomal dominant polycystic liver disease. Also called: Congenital cystic disease of liver; Polycystic liver disease. Identifiers: Orphanet 2924, MedGen C0158683, MONDO:0000447, HP:0006557.
Autosomal recessive polycystic kidney disease (ARPKD). Also called: AR polycystic kidney disease. Identifiers: Orphanet 731, Orphanet 8378, MedGen C0085548, MeSH D017044, MONDO:0009889.
Biliary tract abnormality. Identifiers: MedGen C0549613, MONDO:0004868, HP:0001080.

Submissions (17):

PreventionGenetics, part of Exact Sciences
Classification: Pathogenic for PKHD1-related condition. Last evaluated: 2026-08-19. Review status: criteria provided, single submitter. Criteria: ACMG Guidelines, 2015. Collection method: clinical testing. Allele origin: germline.
Comment: The PKHD1 c.3766delC variant is predicted to result in a frameshift and premature protein termination (p.Gln1256Argfs*47). This variant has been reported as causative for autosomal recessive polycystic kidney disease (ARPKD), although a second potentially disease causing variant was not identified (Gunay-Aygun et al. 2010. PubMed ID: 19914852). Individuals heterozygous for this variant have been reported to have symptoms of kidney disease (Besse et al. 2017. PubMed ID: 28375157; Hou et al. 2020. PubMed ID: 31980526). This variant is reported in 0.71% of alleles in individuals of Ashkenazi Jewish descent in gnomAD. Frameshift variants in PKHD1 are expected to be pathogenic. This variant is interpreted as pathogenic with respect to autosomal recessive polycystic kidney disease (ARPKD).

Natera, Inc.
Classification: Pathogenic for Autosomal recessive polycystic kidney disease. Last evaluated: 2026-01-18. Review status: criteria provided, single submitter. Criteria: Natera Variant Classification Schema (03/2026). Collection method: clinical testing. Allele origin: germline.
Comment: The c.3766delC variant in PKHD1 is a frameshift variant predicted to shift the reading frame beginning at codon 1256 and leads to a stop codon 47 codons downstream. This variant is expected to result in nonsense mediated decay, truncation, or a dysfunctional protein product. The frequency of this variant in the general population is greater than expected for disorder. This variant has been observed in one or more individuals affected with the associated recessive disease, as either homozygous or compound heterozygous with a second variant (PMID: 19940839, 24162162, 33416279, 37850020). Given the available evidence, this variant is classified as Pathogenic.

Dasa
Classification: Pathogenic. Last evaluated: 2025-12-04. Review status: criteria provided, single submitter. Criteria: DASA Assertion Criteria. Collection method: clinical testing. Allele origin: germline.
Comment: NM_138694.4(PKHD1):c.3766del (p.Gln1256Argfs*47) introduces a premature termination codon predicted to result in loss of normal protein function. Loss-of-function is an established mechanism of disease for this gene. This variant has been recurrently observed in affected individuals with related phenotype in a genotype context consistent with recessive disease (PMID: 38300123; PMID: 39888183; PMID: 31738409; PMID: 19914852; PMID: 31980526). The variant is present at low frequency in population datasets. Based on the available data, this variant is classified as pathogenic.

Genetics Laboratory, Great Ormond Street Hospital NHS Foundation Trust, North Thames Genomic Laboratory Hub
Classification: Pathogenic for Cystic renal disease. Last evaluated: 2025-12-03. Review status: criteria provided, single submitter. Criteria: ACGS Best Practice Guidelines for Variant Classification in Rare Disease 2024 v1.2. Collection method: clinical testing. Allele origin: germline. Affected: yes.
Comment: PM2_moderate, PVS1_very-strong, PM3_moderate

Rare Kidney Stone Consortium and the Mayo Clinic Hyperoxaluria Center, Mayo Clinic
Classification: Likely pathogenic for Polycystic kidney disease 4. Last evaluated: 2025-10-03. Review status: criteria provided, single submitter. Criteria: ACMG Guidelines, 2015. Collection method: research. Allele origin: germline. Observed: 1 variant allele.
Comment: ACMG:PVS1, PP5

Revvity Omics, Revvity
Classification: Likely pathogenic for Polycystic kidney disease 4. Last evaluated: 2025-04-30. Review status: criteria provided, single submitter. Criteria: ACMG Guidelines, 2015. Collection method: clinical testing. Allele origin: germline.

GeneDx
Classification: Likely pathogenic. Last evaluated: 2024-09-24. Review status: criteria provided, single submitter. Criteria: GeneDx Variant Classification Process June 2021. Collection method: clinical testing. Allele origin: germline. Affected: yes.
Comment: Identified in patients with PKHD1-related phenotypes in published literature (PMID: 28375157, 31738409); Frameshift variant predicted to result in protein truncation or nonsense mediated decay in a gene for which loss-of-function is a known mechanism of disease; This variant is associated with the following publications: (PMID: 31980526, 19914852, 28375157, 31738409, 36978159)

ARUP Laboratories, Molecular Genetics and Genomics, ARUP Laboratories
Classification: Pathogenic for Polycystic kidney disease 4. Last evaluated: 2024-02-15. Review status: criteria provided, single submitter. Criteria: ARUP Molecular Germline Variant Investigation Process 2024. Collection method: clinical testing. Allele origin: germline.
Comment: The PKHD1 c.3766del; p.Gln1256ArgfsTer47 variant (rs746972457, ClinVar Variation ID: 188746) is reported in the literature in several individuals affected with ARPKD, often in the homozygous or compound heterozygous state (Acharya 2023, Ben-Moshe 2023, Gunay-Aygun 2010). This variant is found in the general population with an overall allele frequency of 0.047% (133/282,058 alleles) in the Genome Aggregation Database (v2.1.1). This variant causes a frameshift by deleting a single nucleotide, so it is predicted to result in a truncated protein or mRNA subject to nonsense-mediated decay. Based on available information, this variant is considered to be pathogenic. References: Acharya R and Upadhyay K. Short-Term Outcome of Isolated Kidney Transplantation in Children with Autosomal Recessive Polycystic Kidney Disease: A Case Series and Literature Review. Clin Pract. 2023 Dec 21;14(1):24-30. PMID: 38300123. Ben-Moshe Y et al. Diagnostic Utility of Exome Sequencing Among Israeli Children With Kidney Failure. Kidney Int Rep. 2023 Jul 31;8(10):2126-2135. PMID: 37850020. Gunay-Aygun M et al. PKHD1 sequence variations in 78 children and adults with autosomal recessive polycystic kidney disease and congenital hepatic fibrosis. Mol Genet Metab. 2010 Feb;99(2):160-73. PMID: 19914852.

Blueprint Genetics
Classification: Pathogenic for PKHD1-related disorders. Last evaluated: 2023-10-26. Review status: criteria provided, single submitter. Criteria: ACMG Guidelines, 2015. Collection method: clinical testing. Allele origin: germline. Affected: yes. Observed: 5 variant alleles.

Department of Pathology and Laboratory Medicine, Sinai Health System
Classification: Pathogenic for Polycystic kidney disease 4. Last evaluated: 2023-08-31. Review status: criteria provided, single submitter. Criteria: ACMG Guidelines, 2015. Collection method: research. Allele origin: germline.

Fulgent Genetics
Classification: Pathogenic for Polycystic kidney disease 4. Last evaluated: 2021-06-30. Review status: criteria provided, single submitter. Criteria: ACMG Guidelines, 2015. Collection method: clinical testing. Allele origin: unknown.
Comment: This variant has been detected in individual(s) who were sent for testing of Renasight - kidney gene panel.

Genome-Nilou Lab
Classification: Likely benign for Polycystic kidney disease 4. Last evaluated: 2021-05-18. Review status: criteria provided, single submitter. Criteria: ACMG Guidelines, 2015. Collection method: clinical testing. Allele origin: germline. Affected: no.

Rady Children's Institute for Genomic Medicine, Rady Children's Hospital San Diego
Classification: Pathogenic for POLYCYSTIC KIDNEY DISEASE, AUTOSOMAL RECESSIVE. Last evaluated: 2020-09-29. Review status: criteria provided, single submitter. Criteria: ACMG Guidelines, 2015. Collection method: clinical testing. Allele origin: germline. Affected: yes.
Comment: This frameshifting variant in exon 32 of 67 introduces a premature stop codon and is therefore predicted to result in loss of normal protein function through either protein truncation or nonsense-mediated mRNA decay (NMD). This variant has been previously reported as a heterozygous change in a patient with perinatal onset polycystic kidney disease in whom a second variant was not detected (PMID: 19914852). It is present in the heterozygous state in the gnomAD population database at a frequency of 0.04% (133/282058) and thus is presumed to be rare. Based on the available evidence, the c.3766del (p.Gln1256ArgfsTer47) variant is classified as Pathogenic.

Cambridge Genomics Laboratory, East Genomic Laboratory Hub, NHS Genomic Medicine Service
Classification: Pathogenic for Biliary tract abnormality. Last evaluated: 2020-03-28. Review status: criteria provided, single submitter. Criteria: ACGS Best Practice Guidelines for Variant Classification in Rare Disease 2020. Collection method: clinical testing. Allele origin: germline. Affected: yes. Observed: 1 variant allele.

Baylor Genetics
Classification: Pathogenic for Polycystic kidney disease 4. Review status: criteria provided, single submitter. Criteria: ACMG Guidelines, 2015. Collection method: clinical testing. Allele origin: germline.

Yale Center for Mendelian Genomics, Yale University
Classification: Likely pathogenic for Autosomal dominant polycystic liver disease. Last evaluated: 2017-04-04. Review status: no assertion criteria provided. Collection method: literature only. Allele origin: germline. Affected: yes. Observed: 2 heterozygotes. Not counted in ClinVar's aggregate classification.

Counsyl
Classification: Likely pathogenic for Polycystic kidney disease, infantile type. Last evaluated: 2014-04-03. Review status: no assertion criteria provided. Collection method: literature only. Allele origin: unknown. Inheritance: Autosomal recessive inheritance. Not counted in ClinVar's aggregate classification.

Literature cited by the submitters: PubMed 19940839 (cited by Natera, Inc.); PubMed 24162162 (cited by Natera, Inc.); PubMed 33416279 (cited by Natera, Inc.); PubMed 37850020 (cited by Natera, Inc.); PubMed 38300123 (cited by Dasa); PubMed 39888183 (cited by Dasa and Rare Kidney Stone Consortium and the Mayo Clinic Hyperoxaluria Center, Mayo Clinic); PubMed 31738409 (cited by Dasa and Rare Kidney Stone Consortium and the Mayo Clinic Hyperoxaluria Center, Mayo Clinic); PubMed 19914852 (cited by 3 submitters); PubMed 31980526 (cited by Dasa and Rare Kidney Stone Consortium and the Mayo Clinic Hyperoxaluria Center, Mayo Clinic); PubMed 28375157 (cited by Rare Kidney Stone Consortium and the Mayo Clinic Hyperoxaluria Center, Mayo Clinic and Yale Center for Mendelian Genomics, Yale University); PubMed 40794449 (cited by Rare Kidney Stone Consortium and the Mayo Clinic Hyperoxaluria Center, Mayo Clinic).